The following is an entry in ClinVar:

NM_017763.6(RNF43):c.1914T>C (p.Ser638=)

Gene: RNF43 (ring finger protein 43; minus strand). Cytogenetic location: 17q22.
Variant type: single nucleotide variant.
Coding change: c.1914T>C on transcript NM_017763.6 (MANE Select); coding-DNA position 1914, T replaced by C.
Protein change: p.Ser638=; no amino-acid change (serine 638 retained).
Molecular consequence: synonymous variant.
Genome position (GRCh38, 1-based): chr17:58,357,862, A>G on the plus strand (T>C on the coding strand, the complement: RNF43 is on the minus strand). VCF-style: chr17-58357862-A-G. GRCh37 (hg19) VCF-style: chr17-56435223-A-G.
Other names: c.1914T>C, p.Ser638= (NM_001305544.3); c.1533T>C, p.Ser511= (NM_001305545.2); c.1914T>C (NM_017763.4).
Identifiers: ClinVar variation 1603528 (VCV001603528.10), dbSNP rs2143396306, ClinGen allele CA501320889.

ClinVar aggregate classification (germline): Benign/Likely benign. Review status: criteria provided, multiple submitters, no conflicts (2 of 4 stars). 3 submissions from 3 submitters: Benign (1); Likely benign (2). Last evaluated 2026-07-02.

Conditions:
Sessile serrated polyposis cancer syndrome (SSPCS). Identifiers: Orphanet 157798, MedGen C4310714, MONDO:0014919, OMIM 617108.

Allele frequency attached by ClinVar (database versions not stated): gnomAD exomes below 0.00001.
gnomAD v4.1: 5 of 1,613,722 alleles (0.00031%); highest among the groups gnomAD compares: Non-Finnish European, 0.00042%; no homozygotes.

Submissions (3):

Myriad Genetics, Inc.
Classification: Benign for Sessile serrated polyposis cancer syndrome. Last evaluated: 2026-07-02. Review status: criteria provided, single submitter. Criteria: Myriad Autosomal Dominant, Autosomal Recessive and X-Linked Classification Criteria (2023). Collection method: clinical testing. Allele origin: unknown.
Comment: This variant is considered benign. This variant is a silent/synonymous amino acid change and it is not expected to impact splicing.

Ambry Genetics
Classification: Likely benign. Last evaluated: 2025-10-25. Review status: criteria provided, single submitter. Criteria: Ambry Variant Classification Scheme 2023. Collection method: clinical testing. Allele origin: germline.

Labcorp Genetics (formerly Invitae), Labcorp
Classification: Likely benign. Last evaluated: 2021-08-07. Review status: criteria provided, single submitter. Criteria: Invitae Variant Classification Sherloc (09022015). Collection method: clinical testing. Allele origin: germline.